The following is an entry in ClinVar:

NM_000260.4(MYO7A):c.186G>A (p.Thr62=)

Gene: MYO7A (myosin VIIA; plus strand). Cytogenetic location: 11q13.5.
Variant type: single nucleotide variant.
Coding change: c.186G>A on transcript NM_000260.4 (MANE Select); coding-DNA position 186, G replaced by A.
Protein change: p.Thr62=; no amino-acid change (threonine 62 retained).
Molecular consequence: synonymous variant.
Genome position (GRCh38, 1-based): chr11:77,147,851, G>A. VCF-style: chr11-77147851-G-A. GRCh37 (hg19) VCF-style: chr11-76858897-G-A.
Other names: c.186G>A, p.Thr62= (NM_001127180.2); c.153G>A, p.Thr51= (NM_001369365.1).
Identifiers: ClinVar variation 306154 (VCV000306154.19), dbSNP rs368267301, ClinGen allele CA6197068.

ClinVar aggregate classification (germline): Conflicting classifications of pathogenicity. Review status: criteria provided, conflicting classifications (1 of 4 stars). 8 submissions from 6 submitters: Uncertain significance (2); Likely benign (5). 1 of the submissions does not count toward it. Last evaluated 2026-02-02.

Conditions:
Usher syndrome type 1 (USH1). Also called: RETINITIS PIGMENTOSA AND CONGENITAL DEAFNESS. Identifiers: Orphanet 231169, Orphanet 886, MedGen C1568247, MONDO:0010168, OMIM 276900.
Autosomal dominant nonsyndromic hearing loss 11. Identifiers: Orphanet 90635, MedGen C1832475, MONDO:0011032, OMIM 601317.
Usher syndrome type 1B (USH1B). Also called: Usher syndrome type IB. Identifiers: MedGen C1848638, MONDO:0700087.
Autosomal recessive nonsyndromic hearing loss 2. Also called: DEAFNESS, AUTOSOMAL RECESSIVE 2; NEUROSENSORY NONSYNDROMIC RECESSIVE DEAFNESS 2. Identifiers: Orphanet 90636, MedGen C1838701, MONDO:0010807, OMIM 600060.
MYO7A-related disorder. Also called: MYO7A-related disorders.

Allele frequency attached by ClinVar (database versions not stated): TOPMed 0.00039; gnomAD 0.00042 and 0.00035; 1000 Genomes Project 0.00060; gnomAD exomes 0.00008; ExAC 0.00011; 1000 Genomes Project 30x 0.00031; ESP Exome Variant Server 0.00032.
gnomAD v4.1: 137 of 1,609,254 alleles (0.0085%); highest among the groups gnomAD compares: African/African-American, 0.17%; no homozygotes.

Submissions (8):

Labcorp Genetics (formerly Invitae), Labcorp
Classification: Likely benign. Last evaluated: 2026-02-02. Review status: criteria provided, single submitter. Criteria: Invitae Variant Classification Sherloc (09022015). Collection method: clinical testing. Allele origin: germline.

PreventionGenetics, part of Exact Sciences
Classification: Likely benign for MYO7A-related condition. Last evaluated: 2025-06-25. Review status: criteria provided, single submitter. Criteria: ACMG Guidelines, 2015. Collection method: clinical testing. Allele origin: germline.
Comment: This variant is classified as likely benign based on ACMG/AMP sequence variant interpretation guidelines (Richards et al. 2015 PMID: 25741868, with internal and published modifications).

Blueprint Genetics
Classification: Likely benign. Last evaluated: 2022-09-22. Review status: criteria provided, single submitter. Criteria: ACMG Guidelines, 2015. Collection method: clinical testing. Allele origin: germline.

GeneDx
Classification: Likely benign. Last evaluated: 2021-03-30. Review status: criteria provided, single submitter. Criteria: GeneDx Variant Classification Process June 2021. Collection method: clinical testing. Allele origin: germline. Affected: yes.

Illumina Laboratory Services, Illumina
Classification: Uncertain significance for Usher syndrome type 1. Last evaluated: 2018-01-12. Review status: criteria provided, single submitter. Criteria: ICSL Variant Classification Criteria 13 December 2019. Collection method: clinical testing. Allele origin: germline.

Illumina Laboratory Services, Illumina
Classification: Likely benign for Autosomal dominant nonsyndromic hearing loss 11. Last evaluated: 2018-01-12. Review status: criteria provided, single submitter. Criteria: ICSL Variant Classification Criteria 13 December 2019. Collection method: clinical testing. Allele origin: germline.
Comment: This variant was observed in the ICSL laboratory as part of a predisposition screen in an ostensibly healthy population. It had not been previously curated by ICSL or reported in the Human Gene Mutation Database (HGMD: prior to June 1st, 2018), and was therefore a candidate for classification through an automated scoring system. Utilizing variant allele frequency, disease prevalence and penetrance estimates, and inheritance mode, an automated score was calculated to assess if this variant is too frequent to cause the disease. Based on the score and internal cut-off values, a variant classified as likely benign is not then subjected to further curation. The score for this variant resulted in a classification of likely benign for this disease.

Illumina Laboratory Services, Illumina
Classification: Uncertain significance for Autosomal recessive nonsyndromic hearing loss 2. Last evaluated: 2018-01-12. Review status: criteria provided, single submitter. Criteria: ICSL Variant Classification Criteria 13 December 2019. Collection method: clinical testing. Allele origin: germline.

Natera, Inc.
Classification: Likely benign for Usher syndrome type 1B. Last evaluated: 2020-09-16. Review status: no assertion criteria provided. Collection method: clinical testing. Allele origin: germline. Not counted in ClinVar's aggregate classification.